The following is an entry in ClinVar:

NM_001297563.2(TCEANC):c.-149G>A

Gene: TCEANC (transcription elongation factor A N-terminal and central domain containing; plus strand). Cytogenetic location: Xp22.2.
Variant type: single nucleotide variant.
Coding change: c.-149G>A on transcript NM_001297563.2 (MANE Select); 149 bases upstream of the start codon, G replaced by A.
Molecular consequence: 5 prime UTR variant. On other transcripts: missense variant (1), intron variant (1).
Genome position (GRCh38, 1-based): chrX:13,659,720, G>A. VCF-style: chrX-13659720-G-A. GRCh37 (hg19) VCF-style: chrX-13677839-G-A.
Other names: c.34G>A, p.Gly12Ser (NM_152634.4); c.-8-2781G>A (NM_001297564.2); short protein forms G12S.
Identifiers: ClinVar variation 3771297 (VCV003771297.13).
Genomic context (GRCh38, chrX:13,659,720, plus strand): 5'-TCTGTCGCCAGGTTGGAGTGCAGTGGCATGATCTCGGCTCACCGCAAACTCTGCCTCCCG[G>A]GTTCAAGCAATTCTCCTGCCTCGGCCTTCCGAGTAGCTGGGACTACAGGTATGCGCCACT-3'

ClinVar aggregate classification (germline): Likely benign (1 of 4 stars; one submission).

gnomAD v4.1: 40 of 111,562 alleles (0.036%); highest among the groups gnomAD compares: Non-Finnish European, 0.068%; no homozygotes.

Submission:

CeGaT Center for Human Genetics Tuebingen
Classification: Likely benign. Last evaluated: 2024-12-01. Review status: criteria provided, single submitter. Criteria: CeGaT Center For Human Genetics Tuebingen Variant Classification Criteria Version 2. Collection method: clinical testing. Allele origin: germline. Affected: yes. Observed: 1 variant allele.
Comment: TCEANC: BP4, BS2